The following is an entry in ClinVar:

NM_020338.4(ZMIZ1):c.1492-1G>C

Gene: ZMIZ1 (zinc finger MIZ-type containing 1; plus strand). Cytogenetic location: 10q22.3.
Variant type: single nucleotide variant.
Coding change: c.1492-1G>C on transcript NM_020338.4 (MANE Select); the canonical splice acceptor site of the intron before coding-DNA position 1492, G replaced by C.
Molecular consequence: splice acceptor variant.
Genome position (GRCh38, 1-based): chr10:79,298,405, G>C. VCF-style: chr10-79298405-G-C. GRCh37 (hg19) VCF-style: chr10-81058162-G-C.
Identifiers: ClinVar variation 4538222 (VCV004538222.1).

ClinVar aggregate classification (germline): Likely pathogenic (1 of 4 stars; one submission).

Conditions:
Neurodevelopmental disorder with dysmorphic facies and distal skeletal anomalies. Identifiers: MedGen C5231448, MONDO:0032855, OMIM 618659.

Submission:

Greenwood Genetic Center Diagnostic Laboratories, Greenwood Genetic Center
Classification: Likely pathogenic for Neurodevelopmental disorder with dysmorphic facies and distal skeletal anomalies. Last evaluated: 2025-05-07. Review status: criteria provided, single submitter. Criteria: ACMG Guidelines, 2015. Collection method: clinical testing. Allele origin: germline. Affected: yes.
Comment: PVS1, PM2